The following is an entry in ClinVar:

ClinVar aggregate classification (germline): Uncertain significance (1 of 4 stars; one submission).

Conditions:
Hereditary sensory and autonomic neuropathy type 6. Also called: HSAN VI; Neuropathy, hereditary sensory and autonomic, type VI. Identifiers: Orphanet 314381, MedGen C3539003, MONDO:0013839, OMIM 614653.
Epidermolysis bullosa simplex 3, localized or generalized intermediate, with BP230 deficiency (EBS3). Also called: Epidermolysis bullosa simplex due to BP230 deficiency; Epidermolysis bullosa simplex, autosomal recessive 2. Identifiers: Orphanet 412181, MedGen C3809470, MONDO:0014180, OMIM 615425.

Allele frequency attached by ClinVar (database versions not stated): TOPMed below 0.00001; gnomAD 0.00001.
gnomAD v4.1: 4 of 1,613,768 alleles (0.00025%); highest among the groups gnomAD compares: Non-Finnish European, 0.00034%; no homozygotes.

Submission:

Labcorp Genetics (formerly Invitae), Labcorp
Classification: Uncertain significance for Epidermolysis bullosa simplex 3, localized or generalized intermediate, with BP230 deficiency; Hereditary sensory and autonomic neuropathy type 6. Last evaluated: 2022-07-08. Review status: criteria provided, single submitter. Criteria: Invitae Variant Classification Sherloc (09022015). Collection method: clinical testing. Allele origin: germline.
Comment: The DST gene has multiple clinically relevant transcripts. This variant occurs in alternate transcript NM_015548.4, and corresponds to NM_001723.5:c.*89028G>C in the primary transcript. This sequence change replaces valine, which is neutral and non-polar, with leucine, which is neutral and non-polar, at codon 3378 of the DST protein (p.Val3378Leu). This variant is present in population databases (rs750420940, gnomAD 0.0009%). This variant has not been reported in the literature in individuals affected with DST-related conditions. Experimental studies and prediction algorithms are not available or were not evaluated, and the functional significance of this variant is currently unknown. In summary, the available evidence is currently insufficient to determine the role of this variant in disease. Therefore, it has been classified as a Variant of Uncertain Significance.

NM_001374736.1(DST):c.18001G>C (p.Val6001Leu)

Gene: DST (dystonin; minus strand). Cytogenetic location: 6p12.1.
Variant type: single nucleotide variant.
Coding change: c.18001G>C on transcript NM_001374736.1 (MANE Select); coding-DNA position 18001, G replaced by C.
Protein change: p.Val6001Leu; replaces valine 6001 with leucine.
Molecular consequence: missense variant.
Genome position (GRCh38, 1-based): chr6:56,526,489, C>G on the plus strand (G>C on the coding strand, the complement: DST is on the minus strand). VCF-style: chr6-56526489-C-G. GRCh37 (hg19) VCF-style: chr6-56391287-C-G.
Other names: c.11644G>C, p.Val3882Leu (NM_001144769.5); c.11230G>C, p.Val3744Leu (NM_001144770.2); c.18001G>C, p.Val6001Leu (NM_001374722.1); c.17041G>C, p.Val5681Leu (NM_001374729.1); c.10783G>C, p.Val3595Leu (NM_001374730.1); c.18028G>C, p.Val6010Leu (NM_001374734.1); c.11110G>C, p.Val3704Leu (NM_001386100.1, NM_183380.4); c.10132G>C, p.Val3378Leu (NM_015548.5); short protein forms V3704L, V3882L, V6001L, V6010L, V3378L, V5681L, V3595L, V3744L.
Identifiers: ClinVar variation 2157656 (VCV002157656.1), dbSNP rs750420940, ClinGen allele CA3867323.
Genomic context (GRCh38, chr6:56,526,489, plus strand): 5'-GGTAGCGCTCATTGTCCTCAGCTACCATTTTCTCAAGTCCTTCTCTTGCCCTCCATGGTA[C>G]CAGTTCCAGCAAAGCACTGCTCACTTCATTAAGGGAGTCCAGTAAGGCTTTGTTGTTCTT-3'
Protein context (NP_001361665.1, residues 5991-6011): NEVSSALLEL[Val6001Leu]PWRAREGLEK